The following is an entry in ClinVar:

ClinVar aggregate classification (germline): Uncertain significance (1 of 4 stars; one submission).

Submission:

GeneDx
Classification: Uncertain significance. Last evaluated: 2024-11-25. Review status: criteria provided, single submitter. Criteria: GeneDx Variant Classification Process June 2021. Collection method: clinical testing. Allele origin: germline. Affected: yes.
Comment: Has not been previously published as pathogenic or benign to our knowledge; Not observed at significant frequency in large population cohorts (gnomAD); In silico analysis indicates that this missense variant does not alter protein structure/function

NM_001252102.2(KIF21B):c.1231G>C (p.Glu411Gln)

Gene: KIF21B (kinesin family member 21B; minus strand). Cytogenetic location: 1q32.1.
Variant type: single nucleotide variant.
Coding change: c.1231G>C on transcript NM_001252102.2 (MANE Select); coding-DNA position 1231, G replaced by C.
Protein change: p.Glu411Gln; replaces glutamic acid 411 with glutamine.
Molecular consequence: missense variant.
Genome position (GRCh38, 1-based): chr1:201,002,332, C>G on the plus strand (G>C on the coding strand, the complement: KIF21B is on the minus strand). VCF-style: chr1-201002332-C-G. GRCh37 (hg19) VCF-style: chr1-200971460-C-G.
Other names: c.1231G>C, p.Glu411Gln (NM_001252100.2, NM_001252103.2, NM_017596.4); short protein forms E411Q.
Identifiers: ClinVar variation 3900192 (VCV003900192.1).